The following is an entry in ClinVar:

ClinVar aggregate classification (germline): Likely benign. Review status: criteria provided, multiple submitters, no conflicts (2 of 4 stars). 2 submissions from 2 submitters: Likely benign (2). Last evaluated 2026-06-18.

gnomAD v4.1: 68 of 1,614,072 alleles (0.0042%); highest among the groups gnomAD compares: Non-Finnish European, 0.0056%; 1 homozygote.

Submissions (2):

Women's Health and Genetics/Laboratory Corporation of America, LabCorp
Classification: Likely benign. Last evaluated: 2026-06-18. Review status: criteria provided, single submitter. Criteria: LabCorp Variant Classification Summary - May 2015. Collection method: clinical testing. Allele origin: germline.
Comment: Variant summary: ZNF687 c.2478C>T alters a conserved nucleotide resulting in a synonymous change. Consensus agreement among computation tools predict no significant impact on normal splicing. However, these predictions have yet to be confirmed by functional studies. The variant allele was found at a frequency of 2.8e-05 in 250942 control chromosomes. The available data on variant occurrences in the general population are insufficient to allow any conclusion about variant significance. To our knowledge, no occurrence of c.2478C>T in individuals affected with ZNF687-related conditions and no experimental evidence demonstrating its impact on protein function have been reported. ClinVar contains an entry for this variant (Variation ID: 4707391). Based on the evidence outlined above, the variant was classified as likely benign.

Labcorp Genetics (formerly Invitae), Labcorp
Classification: Likely benign. Last evaluated: 2025-04-02. Review status: criteria provided, single submitter. Criteria: Invitae Variant Classification Sherloc (09022015). Collection method: clinical testing. Allele origin: germline.

NM_020832.3(ZNF687):c.2478C>T (p.Ile826=)

Gene: ZNF687 (zinc finger protein 687; plus strand). Cytogenetic location: 1q21.3.
Variant type: single nucleotide variant.
Coding change: c.2478C>T on transcript NM_020832.3 (MANE Select); coding-DNA position 2478, C replaced by T.
Protein change: p.Ile826=; no amino-acid change (isoleucine 826 retained).
Molecular consequence: synonymous variant.
Genome position (GRCh38, 1-based): chr1:151,289,384, C>T. VCF-style: chr1-151289384-C-T. GRCh37 (hg19) VCF-style: chr1-151261860-C-T.
Other names: c.2478C>T, p.Ile826= (NM_001304763.2, NM_001304764.2).
Identifiers: ClinVar variation 4707391 (VCV004707391.2).